The following is an entry in ClinVar:

NM_005732.4(RAD50):c.1096G>A (p.Ala366Thr)

Gene: RAD50 (RAD50 double strand break repair protein; plus strand). Cytogenetic location: 5q31.1.
Variant type: single nucleotide variant.
Coding change: c.1096G>A on transcript NM_005732.4 (MANE Select); coding-DNA position 1096, G replaced by A.
Protein change: p.Ala366Thr; replaces alanine 366 with threonine.
Molecular consequence: missense variant.
Genome position (GRCh38, 1-based): chr5:132,588,731, G>A. VCF-style: chr5-132588731-G-A. GRCh37 (hg19) VCF-style: chr5-131924423-G-A.
Other names: short protein forms A366T.
Identifiers: ClinVar variation 4677949 (VCV004677949.1).

ClinVar aggregate classification (germline): Uncertain significance (1 of 4 stars; one submission).

Conditions:
Hereditary cancer-predisposing syndrome. Also called: Neoplastic Syndromes, Hereditary; Tumor predisposition; Hereditary Cancer Syndrome; Hereditary neoplastic syndrome. Identifiers: Orphanet 140162, MedGen C0027672, MeSH D009386, MONDO:0015356.

Submission:

Ambry Genetics
Classification: Uncertain significance for Hereditary cancer-predisposing syndrome. Last evaluated: 2025-10-22. Review status: criteria provided, single submitter. Criteria: Ambry Variant Classification Scheme 2023. Collection method: clinical testing. Allele origin: germline.
Comment: The p.A366T variant (also known as c.1096G>A), located in coding exon 8 of the RAD50 gene, results from a G to A substitution at nucleotide position 1096. The alanine at codon 366 is replaced by threonine, an amino acid with similar properties. This amino acid position is conserved. In addition, this alteration is predicted to be tolerated by in silico analysis. Based on the available evidence, the clinical significance of this variant remains unclear.